The following is an entry in ClinVar:

ClinVar aggregate classification (germline): Conflicting classifications of pathogenicity. Review status: criteria provided, conflicting classifications (1 of 4 stars). 5 submissions from 5 submitters: Uncertain significance (3); Likely benign (1). 1 of the submissions does not count toward it. Last evaluated 2025-02-10.

Conditions:
Bardet-Biedl syndrome (BBS). Identifiers: Orphanet 110, MedGen C0752166, MONDO:0015229.
Bardet-Biedl syndrome 1 (BBS1). Identifiers: MedGen C2936862, MONDO:0008854, OMIM 209900. Disease mechanism: loss of function.
BBS1-related disorder. Also called: BBS1-related condition.
Inborn genetic diseases. Identifiers: MedGen C0950123, MeSH D030342.

Allele frequency attached by ClinVar (database versions not stated): gnomAD 0.00005 and 0.00004; TOPMed 0.00001.
gnomAD v4.1: 8 of 1,613,978 alleles (0.0005%); highest among the groups gnomAD compares: African/African-American, 0.0093%; no homozygotes.

Submissions (5):

Ambry Genetics
Classification: Likely benign for Inborn genetic diseases. Last evaluated: 2025-02-10. Review status: criteria provided, single submitter. Criteria: Ambry Variant Classification Scheme 2023. Collection method: clinical testing. Allele origin: germline.

Labcorp Genetics (formerly Invitae), Labcorp
Classification: Uncertain significance for Bardet-Biedl syndrome. Last evaluated: 2024-10-29. Review status: criteria provided, single submitter. Criteria: Invitae Variant Classification Sherloc (09022015). Collection method: clinical testing. Allele origin: germline.
Comment: This sequence change replaces valine, which is neutral and non-polar, with isoleucine, which is neutral and non-polar, at codon 301 of the BBS1 protein (p.Val301Ile). This variant is not present in population databases (gnomAD no frequency). This variant has not been reported in the literature in individuals affected with BBS1-related conditions. ClinVar contains an entry for this variant (Variation ID: 842189). Invitae Evidence Modeling of protein sequence and biophysical properties (such as structural, functional, and spatial information, amino acid conservation, physicochemical variation, residue mobility, and thermodynamic stability) indicates that this missense variant is not expected to disrupt BBS1 protein function with a negative predictive value of 95%. In summary, the available evidence is currently insufficient to determine the role of this variant in disease. Therefore, it has been classified as a Variant of Uncertain Significance.

PreventionGenetics, part of Exact Sciences
Classification: Uncertain significance for BBS1-related condition. Last evaluated: 2024-10-11. Review status: criteria provided, single submitter. Criteria: ACMG Guidelines, 2015. Collection method: clinical testing. Allele origin: germline.
Comment: The BBS1 c.901G>A variant is predicted to result in the amino acid substitution p.Val301Ile. To our knowledge, this variant has not been reported in the literature or in a large population database (gnomAD), indicating this variant is rare. At this time, the clinical significance of this variant is uncertain due to the absence of conclusive functional and genetic evidence.

Fulgent Genetics
Classification: Uncertain significance for Bardet-Biedl syndrome 1. Last evaluated: 2022-02-26. Review status: criteria provided, single submitter. Criteria: ACMG Guidelines, 2015. Collection method: clinical testing. Allele origin: unknown.

Natera, Inc.
Classification: Uncertain significance for Bardet-Biedl syndrome type 1. Last evaluated: 2021-01-28. Review status: no assertion criteria provided. Collection method: clinical testing. Allele origin: germline. Not counted in ClinVar's aggregate classification.

NM_024649.5(BBS1):c.901G>A (p.Val301Ile)

Genes: BBS1 (Bardet-Biedl syndrome 1; plus strand), ZDHHC24 (zDHHC palmitoyltransferase 24; minus strand). Cytogenetic location: 11q13.2.
Variant type: single nucleotide variant.
Coding change: c.901G>A on transcript NM_024649.5 (MANE Select); coding-DNA position 901, G replaced by A.
Protein change: p.Val301Ile; replaces valine 301 with isoleucine.
Molecular consequence: missense variant. On other transcripts: intron variant (1).
Genome position (GRCh38, 1-based): chr11:66,523,526, G>A. VCF-style: chr11-66523526-G-A. GRCh37 (hg19) VCF-style: chr11-66290997-G-A.
Other names: c.*22-2060C>T (NM_001348571.2); short protein forms V301I.
Identifiers: ClinVar variation 842189 (VCV000842189.14), dbSNP rs1037134217, ClinGen allele CA224077094.